The following is an entry in ClinVar:

ClinVar aggregate classification (germline): Uncertain significance (1 of 4 stars; one submission).

Submission:

Labcorp Genetics (formerly Invitae), Labcorp
Classification: Uncertain significance. Last evaluated: 2021-10-07. Review status: criteria provided, single submitter. Criteria: Invitae Variant Classification Sherloc (09022015). Collection method: clinical testing. Allele origin: germline.
Comment: This variant is a gross deletion of the genomic region encompassing exon(s) 19-20 of the LPIN1 gene, which includes the termination codon. This deletion extends beyond the assayed region for this gene and therefore may encompass additional genes. While this deletion is not anticipated to lead to nonsense mediated decay, it is expected to alter mRNA translation or result in a truncated protein product. In summary, the available evidence is currently insufficient to determine the role of this variant in disease. Therefore, it has been classified as a Variant of Uncertain Significance. Experimental studies and prediction algorithms are not available or were not evaluated, and the functional significance of this variant is currently unknown. This variant has not been reported in the literature in individuals affected with LPIN1-related conditions.

NC_000002.11:g.(?_11960517)_(11964917_?)del

Gene: LPIN1 (lipin 1; plus strand). Cytogenetic location: 2p25.1.
Variant type: Deletion.
Identifiers: ClinVar variation 1444190 (VCV001444190.4).